The following is an entry in ClinVar:

ClinVar aggregate classification (germline): Likely benign. Review status: criteria provided, multiple submitters, no conflicts (2 of 4 stars). 2 submissions from 2 submitters: Likely benign (2). Last evaluated 2026-02-03.

Conditions:
RET-related disorder. Also called: RET-related disorders; RET-related condition; RET-related disease.
Multiple endocrine neoplasia, type 2 (MEN2). Identifiers: Orphanet 653, MedGen C4048306, MONDO:0019003. Disease mechanism: gain of function.

Allele frequency attached by ClinVar (database versions not stated): gnomAD exomes below 0.00001; ExAC 0.00001; TOPMed 0.00001.
gnomAD v4.1: 12 of 1,598,742 alleles (0.00075%); highest among the groups gnomAD compares: Admixed American, 0.0034%; no homozygotes.

Submissions (2):

Labcorp Genetics (formerly Invitae), Labcorp
Classification: Likely benign for Multiple endocrine neoplasia, type 2. Last evaluated: 2026-02-03. Review status: criteria provided, single submitter. Criteria: Invitae Variant Classification Sherloc (09022015). Collection method: clinical testing. Allele origin: germline.

PreventionGenetics, part of Exact Sciences
Classification: Likely benign for RET-related condition. Last evaluated: 2026-02-03. Review status: criteria provided, single submitter. Criteria: ACMG Guidelines, 2015. Collection method: clinical testing. Allele origin: germline.
Comment: This variant is classified as likely benign based on ACMG/AMP sequence variant interpretation guidelines (Richards et al. 2015 PMID: 25741868, with internal and published modifications).

NM_020975.6(RET):c.2136+18G>T

Gene: RET (ret proto-oncogene; plus strand). Cytogenetic location: 10q11.21.
Variant type: single nucleotide variant.
Coding change: c.2136+18G>T on transcript NM_020975.6 (MANE Select); 18 bases into the intron after coding-DNA position 2136, G replaced by T.
Molecular consequence: intron variant.
Genome position (GRCh38, 1-based): chr10:43,114,754, G>T. VCF-style: chr10-43114754-G-T. GRCh37 (hg19) VCF-style: chr10-43610202-G-T.
Other names: c.2136+18G>T (NM_020630.7, NM_001406743.1, NM_001406744.1 and 3 more transcripts); c.2001+18G>T (NM_001406765.1, NM_001406763.1); c.1740+18G>T (NM_001406772.1, NM_001406769.1); c.1698+18G>T (NM_001406773.1, NM_001406771.1); c.1239+18G>T (NM_001406782.1, NM_001406780.1, NM_001406779.1 and 1 more transcripts); c.1104+18G>T (NM_001406787.1); c.1119+18G>T (NM_001406785.1); c.2007+18G>T (NM_001406764.1, NM_001406762.1, NM_001406761.1); and 10 more.
Identifiers: ClinVar variation 1422150 (VCV001422150.8), dbSNP rs761777383, ClinGen allele CA037468.